The following is an entry in ClinVar:

ClinVar aggregate classification (germline): Uncertain significance (1 of 4 stars; one submission).

Conditions:
Joubert syndrome 18 (JBTS18). Identifiers: Orphanet 2754, MedGen C3553758, MONDO:0013896, OMIM 614815.
Orofacial-digital syndrome IV (OFD4). Also called: BARAITSER-BURN SYNDROME; OFD SYNDROME WITH TIBIAL DEFECTS; OFD SYNDROME, BARAITSER-BURN TYPE; OFDS IV; ORAL-FACIAL-DIGITAL SYNDROME, TYPE IV; Orofaciodigital syndrome IV. Identifiers: Orphanet 2753, MedGen C0406727, MONDO:0009794, OMIM 258860.

Submission:

Labcorp Genetics (formerly Invitae), Labcorp
Classification: Uncertain significance for Joubert syndrome 18; Orofacial-digital syndrome IV. Last evaluated: 2024-10-23. Review status: criteria provided, single submitter. Criteria: Invitae Variant Classification Sherloc (09022015). Collection method: clinical testing. Allele origin: germline.
Comment: This sequence change replaces glycine, which is neutral and non-polar, with glutamic acid, which is acidic and polar, at codon 472 of the TCTN3 protein (p.Gly472Glu). This variant is not present in population databases (gnomAD no frequency). This variant has not been reported in the literature in individuals affected with TCTN3-related conditions. Invitae Evidence Modeling of protein sequence and biophysical properties (such as structural, functional, and spatial information, amino acid conservation, physicochemical variation, residue mobility, and thermodynamic stability) indicates that this missense variant is not expected to disrupt TCTN3 protein function with a negative predictive value of 80%. In summary, the available evidence is currently insufficient to determine the role of this variant in disease. Therefore, it has been classified as a Variant of Uncertain Significance.

NM_015631.6(TCTN3):c.1415G>A (p.Gly472Glu)

Gene: TCTN3 (tectonic family member 3; minus strand). Cytogenetic location: 10q24.1.
Variant type: single nucleotide variant.
Coding change: c.1415G>A on transcript NM_015631.6 (MANE Select); coding-DNA position 1415, G replaced by A.
Protein change: p.Gly472Glu; replaces glycine 472 with glutamic acid.
Molecular consequence: missense variant.
Genome position (GRCh38, 1-based): chr10:95,682,688, C>T on the plus strand (G>A on the coding strand, the complement: TCTN3 is on the minus strand). VCF-style: chr10-95682688-C-T. GRCh37 (hg19) VCF-style: chr10-97442445-C-T.
Other names: c.1469G>A, p.Gly490Glu (NM_001013840.1); c.971G>A, p.Gly324Glu (NM_001143973.2); c.1319G>A, p.Gly440Glu (NM_001410982.1); short protein forms G440E, G324E, G472E, G490E.
Identifiers: ClinVar variation 2933904 (VCV002933904.3), dbSNP rs2492739853, ClinGen allele CA377702292.